The following is an entry in ClinVar:

ClinVar aggregate classification (germline): Benign/Likely benign. Review status: criteria provided, multiple submitters, no conflicts (2 of 4 stars). 8 submissions from 8 submitters: Benign (6); Likely benign (2). Last evaluated 2026-02-02.

Conditions:
Autosomal recessive nonsyndromic hearing loss 9. Also called: Deafness, autosomal recessive 9; AUDITORY NEUROPATHY, AUTOSOMAL RECESSIVE, 1, TEMPERATURE-SENSITIVE; NEUROSENSORY NONSYNDROMIC RECESSIVE DEAFNESS 9; OTOF-Related Hearing Loss. Identifiers: Orphanet 90636, MedGen C1832828, MONDO:0010986, OMIM 601071.

Allele frequency attached by ClinVar (database versions not stated): gnomAD exomes 0.00900; ExAC 0.01099; gnomAD 0.03505 and 0.03772; ESP Exome Variant Server 0.03752; TOPMed 0.03768; 1000 Genomes Project 0.03894; 1000 Genomes Project 30x 0.04138.
gnomAD v4.1: 10,618 of 1,612,670 alleles (0.66%); highest among the groups gnomAD compares: African/African-American, 12%; 620 homozygotes.

Submissions (8):

Labcorp Genetics (formerly Invitae), Labcorp
Classification: Benign. Last evaluated: 2026-02-02. Review status: criteria provided, single submitter. Criteria: Invitae Variant Classification Sherloc (09022015). Collection method: clinical testing. Allele origin: germline.

Women's Health and Genetics/Laboratory Corporation of America, LabCorp
Classification: Benign. Last evaluated: 2026-01-08. Review status: criteria provided, single submitter. Criteria: LabCorp Variant Classification Summary - May 2015. Collection method: clinical testing. Allele origin: germline.

Athena Diagnostics
Classification: Benign. Last evaluated: 2018-05-23. Review status: criteria provided, single submitter. Criteria: Athena Diagnostics Criteria. Collection method: clinical testing. Allele origin: germline.

GeneDx
Classification: Benign. Last evaluated: 2017-12-28. Review status: criteria provided, single submitter. Criteria: GeneDx Variant Classification (06012015). Collection method: clinical testing. Allele origin: germline. Affected: yes.
Comment: This variant is considered likely benign or benign based on one or more of the following criteria: it is a conservative change, it occurs at a poorly conserved position in the protein, it is predicted to be benign by multiple in silico algorithms, and/or has population frequency not consistent with disease.

Illumina Laboratory Services, Illumina
Classification: Likely benign for Autosomal recessive nonsyndromic hearing loss 9. Last evaluated: 2017-04-28. Review status: criteria provided, single submitter. Criteria: ICSL Variant Classification Criteria 13 December 2019. Collection method: clinical testing. Allele origin: germline.
Comment: This variant was observed as part of a predisposition screen in an ostensibly healthy population. A literature search was performed for the gene, cDNA change, and amino acid change (where applicable). No publications were found based on this search. Allele frequency data from public databases allowed determination this variant is unlikely to cause disease. Therefore, this variant is classified as likely benign.

Laboratory for Molecular Medicine, Mass General Brigham Personalized Medicine
Classification: Benign. Last evaluated: 2010-10-06. Review status: criteria provided, single submitter. Criteria: LMM Criteria. Collection method: clinical testing. Allele origin: germline. Observed: 42 variant alleles.
Comment: This variant is not expected to have clinical significance because it is not loc ated in the conserved region of the splicing consensus sequence and has been ide ntified in 5/15 (33.3%) Black probands tested by our laboratory.

Breakthrough Genomics
Classification: Likely benign. Review status: criteria provided, single submitter. Criteria: ACMG Guidelines, 2015. Collection method: not provided. Allele origin: germline. Inheritance: Autosomal recessive inheritance. Affected: yes.

PreventionGenetics, part of Exact Sciences
Classification: Benign. Review status: criteria provided, single submitter. Criteria: ACMG Guidelines, 2015. Collection method: clinical testing. Allele origin: germline.

NM_194248.3(OTOF):c.509+10A>G

Gene: OTOF (otoferlin; minus strand). Cytogenetic location: 2p23.3.
Variant type: single nucleotide variant.
Coding change: c.509+10A>G on transcript NM_194248.3 (MANE Select); 10 bases into the intron after coding-DNA position 509, A replaced by G.
Molecular consequence: intron variant.
Genome position (GRCh38, 1-based): chr2:26,516,408, T>C on the plus strand (A>G on the coding strand, the complement: OTOF is on the minus strand). VCF-style: chr2-26516408-T-C. GRCh37 (hg19) VCF-style: chr2-26739276-T-C.
Other names: c.509+10A>G (NM_001287489.2).
Identifiers: ClinVar variation 48249 (VCV000048249.20), dbSNP rs76712142, ClinGen allele CA142919.
Genomic context (GRCh38, chr2:26,516,408, plus strand): 5'-AGGACCAGGCCCCAGGTCTCTTCCCCGTGTCTTGGGAGCAGTGGGCAGCCAGAGGGGTCC[T>C]GCCTGTTACCTCCGGAAGCTCTTCTCTCCTGGGGGCCGGGAGCTGGGCCGGGAGCCTGGG-3'